The following is an entry in ClinVar:

NM_006766.5(KAT6A):c.3469A>G (p.Ser1157Gly)

Gene: KAT6A (lysine acetyltransferase 6A; minus strand). Cytogenetic location: 8p11.21.
Variant type: single nucleotide variant.
Coding change: c.3469A>G on transcript NM_006766.5 (MANE Select); coding-DNA position 3469, A replaced by G.
Protein change: p.Ser1157Gly; replaces serine 1157 with glycine.
Molecular consequence: missense variant.
Genome position (GRCh38, 1-based): chr8:41,934,751, T>C on the plus strand (A>G on the coding strand, the complement: KAT6A is on the minus strand). VCF-style: chr8-41934751-T-C. GRCh37 (hg19) VCF-style: chr8-41792269-T-C.
Other names: short protein forms S1157G.
Identifiers: ClinVar variation 2227962 (VCV002227962.2), dbSNP rs2486758520, ClinGen allele CA371069082.

ClinVar aggregate classification (germline): Uncertain significance (1 of 4 stars; one submission).

Conditions:
Inborn genetic diseases. Identifiers: MedGen C0950123, MeSH D030342.

Allele frequency attached by ClinVar (database versions not stated): gnomAD exomes below 0.00001.
gnomAD v4.1: 1 of 1,614,232 alleles (0.000062%); highest among the groups gnomAD compares: Non-Finnish European, 0.000085%; no homozygotes.

Submission:

Ambry Genetics
Classification: Uncertain significance for Inborn genetic diseases. Last evaluated: 2020-11-10. Review status: criteria provided, single submitter. Criteria: Ambry Variant Classification Scheme 2023. Collection method: clinical testing. Allele origin: germline.
Comment: The c.3469A>G (p.S1157G) alteration is located in exon 17 (coding exon 16) of the KAT6A gene. This alteration results from an A to G substitution at nucleotide position 3469, causing the serine (S) at amino acid position 1157 to be replaced by a glycine (G). Based on data from the Genome Aggregation Database (gnomAD), the KAT6A c.3469A>G alteration was not observed, with coverage at this position. This amino acid position is highly conserved in available vertebrate species. The p.S1157G alteration is predicted to be tolerated by in silico analysis. Based on insufficient or conflicting evidence, the clinical significance of this alteration remains unclear.